The following is an entry in ClinVar:

NM_007272.3(CTRC):c.700A>G (p.Ile234Val)

Gene: CTRC (chymotrypsin C; plus strand). Cytogenetic location: 1p36.21.
Variant type: single nucleotide variant.
Coding change: c.700A>G on transcript NM_007272.3 (MANE Select); coding-DNA position 700, A replaced by G.
Protein change: p.Ile234Val; replaces isoleucine 234 with valine.
Molecular consequence: missense variant.
Genome position (GRCh38, 1-based): chr1:15,445,657, A>G. VCF-style: chr1-15445657-A-G. GRCh37 (hg19) VCF-style: chr1-15772152-A-G.
Other names: short protein forms I234V.
Identifiers: ClinVar variation 1756661 (VCV001756661.3), dbSNP rs2526303533, ClinGen allele CA338567798.

ClinVar aggregate classification (germline): Uncertain significance (1 of 4 stars; one submission).

Conditions:
Hereditary pancreatitis (PCTT). Also called: Hereditary chronic pancreatitis; PRSS1-Related Hereditary Pancreatitis. Identifiers: Orphanet 676, MedGen C0238339, MONDO:0008185, OMIM 167800.

Allele frequency attached by ClinVar (database versions not stated): gnomAD exomes below 0.00001.
gnomAD v4.1: 5 of 1,614,200 alleles (0.00031%); highest among the groups gnomAD compares: South Asian, 0.0022%; no homozygotes.

Submission:

Ambry Genetics
Classification: Uncertain significance for Hereditary pancreatitis. Last evaluated: 2025-06-08. Review status: criteria provided, single submitter. Criteria: Ambry Variant Classification Scheme 2023. Collection method: clinical testing. Allele origin: germline.
Comment: The p.I234V variant (also known as c.700A>G), located in coding exon 7 of the CTRC gene, results from an A to G substitution at nucleotide position 700. The isoleucine at codon 234 is replaced by valine, an amino acid with highly similar properties. This amino acid position is conserved. In addition, the in silico prediction for this alteration is inconclusive. Since supporting evidence is limited at this time, the clinical significance of this alteration remains unclear.